The following is an entry in ClinVar:

ClinVar aggregate classification (germline): Benign/Likely benign. Review status: criteria provided, multiple submitters, no conflicts (2 of 4 stars). 5 submissions from 5 submitters: Benign (3); Likely benign (2). Last evaluated 2025-12-28.

Conditions:
Amyotrophic neuralgia (HNA). Also called: Hereditary Brachial Plexus Neuropathy; Neuritis with Brachial Predilection; AMYOTROPHY, HEREDITARY NEURALGIC; AMYOTROPHY, HEREDITARY NEURALGIC, WITH PREDILECTION FOR BRACHIAL PLEXUS. Identifiers: Orphanet 2901, MedGen C1834304, MONDO:0008076, OMIM 162100.

Allele frequency attached by ClinVar (database versions not stated): gnomAD 0.00019; TOPMed 0.00022; ExAC 0.00027; 1000 Genomes Project 30x 0.00031; ESP Exome Variant Server 0.00039; 1000 Genomes Project 0.00020.
gnomAD v4.1: 303 of 1,611,680 alleles (0.019%); highest among the groups gnomAD compares: Non-Finnish European, 0.0045%; 1 homozygote.

Submissions (5):

Labcorp Genetics (formerly Invitae), Labcorp
Classification: Benign. Last evaluated: 2025-12-28. Review status: criteria provided, single submitter. Criteria: Invitae Variant Classification Sherloc (09022015). Collection method: clinical testing. Allele origin: germline.

Genome-Nilou Lab
Classification: Benign for Amyotrophic neuralgia. Last evaluated: 2021-12-05. Review status: criteria provided, single submitter. Criteria: ACMG Guidelines, 2015. Collection method: clinical testing. Allele origin: germline. Affected: no.

GeneDx
Classification: Likely benign. Last evaluated: 2019-07-18. Review status: criteria provided, single submitter. Criteria: GeneDx Variant Classification Process June 2021. Collection method: clinical testing. Allele origin: germline. Affected: yes.

Illumina Laboratory Services, Illumina
Classification: Benign for Amyotrophy, hereditary neuralgic. Last evaluated: 2018-01-12. Review status: criteria provided, single submitter. Criteria: ICSL Variant Classification Criteria 13 December 2019. Collection method: clinical testing. Allele origin: germline.
Comment: This variant was observed in the ICSL laboratory as part of a predisposition screen in an ostensibly healthy population. It had not been previously curated by ICSL or reported in the Human Gene Mutation Database (HGMD: prior to June 1st, 2018), and was therefore a candidate for classification through an automated scoring system. Utilizing variant allele frequency, disease prevalence and penetrance estimates, and inheritance mode, an automated score was calculated to assess if this variant is too frequent to cause the disease. Based on the score and internal cut-off values, a variant classified as benign is not then subjected to further curation. The score for this variant resulted in a classification of benign for this disease.

Breakthrough Genomics
Classification: Likely benign. Review status: criteria provided, single submitter. Criteria: ACMG Guidelines, 2015. Collection method: not provided. Allele origin: germline. Inheritance: Autosomal dominant inheritance. Affected: yes.

NM_001113491.2(SEPTIN9):c.912C>T (p.Val304=)

Gene: SEPTIN9 (septin 9; plus strand). Cytogenetic location: 17q25.3.
Variant type: single nucleotide variant.
Coding change: c.912C>T on transcript NM_001113491.2 (MANE Select); coding-DNA position 912, C replaced by T.
Protein change: p.Val304=; no amino-acid change (valine 304 retained).
Molecular consequence: synonymous variant.
Genome position (GRCh38, 1-based): chr17:77,482,334, C>T. VCF-style: chr17-77482334-C-T. GRCh37 (hg19) VCF-style: chr17-75478416-C-T.
Other names: c.420C>T, p.Val140= (NM_001113492.2, NM_001113494.1); c.891C>T, p.Val297= (NM_001113493.2); c.159C>T, p.Val53= (NM_001113495.2, NM_001113496.2, NM_001293697.2 and 1 more transcripts); c.855C>T, p.Val285= (NM_001293695.2); c.240C>T, p.Val80= (NM_001293696.2); c.858C>T, p.Val286= (NM_006640.5).
Identifiers: ClinVar variation 325550 (VCV000325550.15), dbSNP rs187657144, ClinGen allele CA8793549.
Genomic context (GRCh38, chr17:77,482,334, plus strand): 5'-CCTGGAGCAGATGCGCCGGAAGGCCATGAAGCAGGGCTTCGAGTTCAACATCATGGTGGT[C>T]GGTGAGTCCTCACCTTGCATGCCACTCAACCAATGCCGGAAACCAGCCTCAGCCCCCAGG-3'
Protein context (NP_001106963.1, residues 294-314): KQGFEFNIMV[Val304=]GQSGLGKSTL